The following is an entry in ClinVar:

NM_016042.4(EXOSC3):c.27T>C (p.Ala9=)

Gene: EXOSC3 (exosome component 3; minus strand). Cytogenetic location: 9p13.2.
Variant type: single nucleotide variant.
Coding change: c.27T>C on transcript NM_016042.4 (MANE Select); coding-DNA position 27, T replaced by C.
Protein change: p.Ala9=; no amino-acid change (alanine 9 retained).
Molecular consequence: synonymous variant.
Genome position (GRCh38, 1-based): chr9:37,785,018, A>G on the plus strand (T>C on the coding strand, the complement: EXOSC3 is on the minus strand). VCF-style: chr9-37785018-A-G. GRCh37 (hg19) VCF-style: chr9-37785015-A-G.
Other names: c.27T>C (NM_016042.3); c.27T>C, p.Ala9= (NM_001002269.2).
Identifiers: ClinVar variation 1931297 (VCV001931297.6), dbSNP rs139476262, ClinGen allele CA5062872.

ClinVar aggregate classification (germline): Likely benign. Review status: criteria provided, multiple submitters, no conflicts (2 of 4 stars). 2 submissions from 2 submitters: Likely benign (2). Last evaluated 2026-08-15.

Conditions:
EXOSC3-related disorder. Also called: EXOSC3-related condition.
Pontocerebellar hypoplasia type 1B. Also called: EXOSC3 Pontocerebellar Hypoplasia. Identifiers: Orphanet 2254, MedGen C3553449, MONDO:0013853, OMIM 614678.

Allele frequency attached by ClinVar (database versions not stated): ExAC 0.00008; gnomAD 0.00024; TOPMed 0.00030; ESP Exome Variant Server 0.00046.
gnomAD v4.1: 73 of 1,601,036 alleles (0.0046%); highest among the groups gnomAD compares: African/African-American, 0.088%; no homozygotes.

Submissions (2):

PreventionGenetics, part of Exact Sciences
Classification: Likely benign for EXOSC3-related condition. Last evaluated: 2026-08-15. Review status: criteria provided, single submitter. Criteria: ACMG Guidelines, 2015. Collection method: clinical testing. Allele origin: germline.
Comment: This variant is classified as likely benign based on ACMG/AMP sequence variant interpretation guidelines (Richards et al. 2015 PMID: 25741868, with internal and published modifications).

Labcorp Genetics (formerly Invitae), Labcorp
Classification: Likely benign for Pontocerebellar hypoplasia type 1B. Last evaluated: 2026-01-19. Review status: criteria provided, single submitter. Criteria: Invitae Variant Classification Sherloc (09022015). Collection method: clinical testing. Allele origin: germline.